The following is an entry in ClinVar:

NM_006648.4(WNK2):c.5120A>T (p.Asp1707Val)

Gene: WNK2 (WNK lysine deficient protein kinase 2; plus strand). Cytogenetic location: 9q22.31.
Variant type: single nucleotide variant.
Coding change: c.5120A>T on transcript NM_006648.4 (MANE Select); coding-DNA position 5120, A replaced by T.
Protein change: p.Asp1707Val; replaces aspartic acid 1707 with valine.
Molecular consequence: missense variant.
Genome position (GRCh38, 1-based): chr9:93,292,585, A>T. VCF-style: chr9-93292585-A-T. GRCh37 (hg19) VCF-style: chr9-96054867-A-T.
Other names: c.5231A>T, p.Asp1744Val (NM_001282394.3); short protein forms D1707V, D1744V.
Identifiers: ClinVar variation 5031989 (VCV005031989.1).
Genomic context (GRCh38, chr9:93,292,585, plus strand): 5'-AGCCCACAGACAGGGATGGTGGAGAAGCTGGAGAAAGCTCGGCAGAGCCCCCGCCGAGTG[A>T]CATGGGCACAGTGGGGGGCCAGGCTAGCCACCCCCAGACACTCGGCGCTCGAGCTTTGGG-3'
Protein context (NP_006639.3, residues 1697-1717): GESSAEPPPS[Asp1707Val]MGTVGGQASH

ClinVar aggregate classification (germline): Uncertain significance (1 of 4 stars; one submission).

Submission:

Ambry Genetics
Classification: Uncertain significance. Last evaluated: 2026-09-12. Review status: criteria provided, single submitter. Criteria: Ambry Variant Classification Scheme 2023. Collection method: clinical testing. Allele origin: germline.
Comment: The p.D1707V variant (also known as c.5120A>T), located in coding exon 22 of the WNK2 gene, results from an A to T substitution at nucleotide position 5120. The aspartic acid at codon 1707 is replaced by valine, an amino acid with highly dissimilar properties. This amino acid position is conserved. In addition, this alteration is predicted to be tolerated by in silico analysis. Based on the available evidence, the clinical significance of this variant remains unclear.